The following is an entry in ClinVar:

ClinVar aggregate classification (germline): Likely benign (0 of 4 stars; one submission).

Conditions:
SMARCC2-related disorder. Also called: SMARCC2-related condition.

Submission:

PreventionGenetics, part of Exact Sciences
Classification: Likely benign for SMARCC2-related condition. Last evaluated: 2019-06-27. Review status: no assertion criteria provided. Collection method: clinical testing. Allele origin: germline.
Comment: This variant is classified as likely benign based on ACMG/AMP sequence variant interpretation guidelines (Richards et al. 2015 PMID: 25741868, with internal and published modifications).

NM_001330288.2(SMARCC2):c.867G>A (p.Arg289=)

Gene: SMARCC2 (SWI/SNF related BAF chromatin remodeling complex subunit C2; minus strand). Cytogenetic location: 12q13.2.
Variant type: single nucleotide variant.
Coding change: c.867G>A on transcript NM_001330288.2 (MANE Select); coding-DNA position 867, G replaced by A.
Protein change: p.Arg289=; no amino-acid change (arginine 289 retained).
Molecular consequence: synonymous variant.
Genome position (GRCh38, 1-based): chr12:56,181,571, C>T on the plus strand (G>A on the coding strand, the complement: SMARCC2 is on the minus strand). VCF-style: chr12-56181571-C-T. GRCh37 (hg19) VCF-style: chr12-56575355-C-T.
Other names: c.867G>A, p.Arg289= (NM_001130420.3, NM_003075.5, NM_139067.4).
Identifiers: ClinVar variation 3043119 (VCV003043119.2), dbSNP rs2540939468, ClinGen allele CA480371446.
Genomic context (GRCh38, chr12:56,181,571, plus strand): 5'-TGGGGTTGGTGAAGGAGAGGGGGAGCGCTTCCTCTTCTTATAGTTTCCCCCCTTCTTGTC[C>T]CGTCGATCTGAATCTGGGCTGTTCACCTATAGGATGGAGAATCAGGACAAATGTCAGCCT-3'
Protein context (NP_001317217.1, residues 279-299): DEVNSPDSDR[Arg289=]DKKGGNYKKR